The following is an entry in ClinVar:

NM_001374828.1(ARID1B):c.4811C>T (p.Pro1604Leu)

Gene: ARID1B (AT-rich interaction domain 1B; plus strand). Cytogenetic location: 6q25.3.
Variant type: single nucleotide variant.
Coding change: c.4811C>T on transcript NM_001374828.1 (MANE Select); coding-DNA position 4811, C replaced by T.
Protein change: p.Pro1604Leu; replaces proline 1604 with leucine.
Molecular consequence: missense variant.
Genome position (GRCh38, 1-based): chr6:157,201,036, C>T. VCF-style: chr6-157201036-C-T. GRCh37 (hg19) VCF-style: chr6-157522170-C-T.
Other names: c.2312C>T, p.Pro771Leu (NM_001363725.2); c.4691C>T, p.Pro1564Leu (NM_001371656.1, NM_001374820.1); c.4652C>T, p.Pro1551Leu (NM_017519.3); c.4442C>T (NM_020732.3); short protein forms P1551L, P1564L, P1604L, P771L.
Identifiers: ClinVar variation 3899524 (VCV003899524.1).

ClinVar aggregate classification (germline): Uncertain significance (1 of 4 stars; one submission).

Submission:

GeneDx
Classification: Uncertain significance. Last evaluated: 2024-11-17. Review status: criteria provided, single submitter. Criteria: GeneDx Variant Classification Process June 2021. Collection method: clinical testing. Allele origin: germline. Affected: yes.
Comment: Not observed at significant frequency in large population cohorts (gnomAD); In silico analysis supports that this missense variant has a deleterious effect on protein structure/function; Has not been previously published as pathogenic or benign to our knowledge